The following is an entry in ClinVar:

ClinVar aggregate classification (germline): Uncertain significance. Review status: criteria provided, single submitter (1 of 4 stars). 2 submissions from 2 submitters: Uncertain significance (1). 1 of the submissions does not count toward it. Last evaluated 2025-07-21.

Conditions:
Ornithine carbamoyltransferase deficiency (OTCD). Also called: ORNITHINE TRANSCARBAMYLASE DEFICIENCY; ORNITHINE TRANSCARBAMYLASE DEFICIENCY, HYPERAMMONEMIA DUE TO; OTC DEFICIENCY; Ornithine Carbamoyltransferase Deficiency Disease. Identifiers: Orphanet 664, MedGen C0268542, MONDO:0010703, OMIM 311250.

Submissions (2):

Color Diagnostics, LLC DBA Color Health
Classification: Uncertain significance for Ornithine carbamoyltransferase deficiency. Last evaluated: 2025-07-21. Review status: criteria provided, single submitter. Criteria: ACMG Guidelines, 2015. Collection method: clinical testing. Allele origin: germline.
Comment: This missense variant replaces asparagine with lysine at codon 4 of the OTC protein. Computational prediction suggests that this variant may not impact protein structure and function. To our knowledge, functional studies have not been reported for this variant. This variant has not been reported in individuals affected with OTC-related disorders in the literature. This variant has been identified in 1/183244 chromosomes in the general population by the Genome Aggregation Database (gnomAD). The available evidence is insufficient to determine the role of this variant in disease conclusively. Therefore, this variant is classified as a Variant of Uncertain Significance.

Natera, Inc.
Classification: Uncertain significance for Ornithine transcarbamylase deficiency. Last evaluated: 2025-03-10. Review status: no assertion criteria provided. Collection method: clinical testing. Allele origin: germline. Not counted in ClinVar's aggregate classification.

NM_000531.6(OTC):c.12T>G (p.Asn4Lys)

Gene: OTC (ornithine transcarbamylase; plus strand). Cytogenetic location: Xp11.4.
Variant type: single nucleotide variant.
Coding change: c.12T>G on transcript NM_000531.6 (MANE Select); coding-DNA position 12, T replaced by G.
Protein change: p.Asn4Lys; replaces asparagine 4 with lysine.
Molecular consequence: missense variant.
Genome position (GRCh38, 1-based): chrX:38,352,708, T>G. VCF-style: chrX-38352708-T-G. GRCh37 (hg19) VCF-style: chrX-38211961-T-G.
Other names: c.12T>G, p.Asn4Lys (NM_001407092.1); short protein forms N4K.
Identifiers: ClinVar variation 4059210 (VCV004059210.2).